The following is an entry in ClinVar:

NM_000229.2(LCAT):c.863T>C (p.Val288Ala)

Gene: LCAT (lecithin-cholesterol acyltransferase; minus strand). Cytogenetic location: 16q22.1.
Variant type: single nucleotide variant.
Coding change: c.863T>C on transcript NM_000229.2 (MANE Select); coding-DNA position 863, T replaced by C.
Protein change: p.Val288Ala; replaces valine 288 with alanine.
Molecular consequence: missense variant.
Genome position (GRCh38, 1-based): chr16:67,940,364, A>G on the plus strand (T>C on the coding strand, the complement: LCAT is on the minus strand). VCF-style: chr16-67940364-A-G. GRCh37 (hg19) VCF-style: chr16-67974267-A-G.
Other names: short protein forms V288A.
Identifiers: ClinVar variation 2567126 (VCV002567126.2), dbSNP rs2544403069, ClinGen allele CA396376190.

ClinVar aggregate classification (germline): Uncertain significance (1 of 4 stars; one submission).

Conditions:
Cardiovascular phenotype. Identifiers: MedGen CN230736.

Allele frequency attached by ClinVar (database versions not stated): gnomAD exomes below 0.00001.
gnomAD v4.1: 1 of 1,614,134 alleles (0.000062%); highest among the groups gnomAD compares: Non-Finnish European, 0.000085%; no homozygotes.

Submission:

Ambry Genetics
Classification: Uncertain significance for Cardiovascular phenotype. Last evaluated: 2023-05-21. Review status: criteria provided, single submitter. Criteria: Ambry Variant Classification Scheme 2023. Collection method: clinical testing. Allele origin: germline.
Comment: The p.V288A variant (also known as c.863T>C), located in coding exon 6 of the LCAT gene, results from a T to C substitution at nucleotide position 863. The valine at codon 288 is replaced by alanine, an amino acid with similar properties. This amino acid position is conserved. In addition, the in silico prediction for this alteration is inconclusive. Since supporting evidence is limited at this time, the clinical significance of this alteration remains unclear.